The following is an entry in ClinVar:

ClinVar aggregate classification (germline): Uncertain significance (1 of 4 stars; one submission).

Conditions:
Long QT syndrome (LQTS). Identifiers: MedGen C0023976, MeSH D008133, MONDO:0002442. Disease mechanism: loss of function. Inheritance: Various modes of inheritance.

Submission:

Labcorp Genetics (formerly Invitae), Labcorp
Classification: Uncertain significance for Long QT syndrome. Last evaluated: 2022-11-14. Review status: criteria provided, single submitter. Criteria: Invitae Variant Classification Sherloc (09022015). Collection method: clinical testing. Allele origin: germline.
Comment: In summary, the available evidence is currently insufficient to determine the role of this variant in disease. Therefore, it has been classified as a Variant of Uncertain Significance. This sequence change replaces histidine, which is basic and polar, with proline, which is neutral and non-polar, at codon 502 of the KCNQ1 protein (p.His502Pro). This variant is not present in population databases (gnomAD no frequency). This variant has not been reported in the literature in individuals affected with KCNQ1-related conditions. Advanced modeling of protein sequence and biophysical properties (such as structural, functional, and spatial information, amino acid conservation, physicochemical variation, residue mobility, and thermodynamic stability) has been performed at Invitae for this missense variant, however the output from this modeling did not meet the statistical confidence thresholds required to predict the impact of this variant on KCNQ1 protein function.

NM_000218.3(KCNQ1):c.1505A>C (p.His502Pro)

Genes: KCNQ1 (potassium voltage-gated channel subfamily Q member 1; plus strand), KCNQ1OT1 (KCNQ1 opposite strand/antisense transcript 1; minus strand). Cytogenetic location: 11p15.5.
Variant type: single nucleotide variant.
Coding change: c.1505A>C on transcript NM_000218.3 (MANE Select); coding-DNA position 1505, A replaced by C.
Protein change: p.His502Pro; replaces histidine 502 with proline.
Molecular consequence: missense variant. On other transcripts: non-coding transcript variant (1).
Genome position (GRCh38, 1-based): chr11:2,662,072, A>C. VCF-style: chr11-2662072-A-C. GRCh37 (hg19) VCF-style: chr11-2683302-A-C.
Other names: c.1409A>C, p.His470Pro (NM_001406836.1); c.1235A>C, p.His412Pro (NM_001406837.1); c.965A>C, p.His322Pro (NM_001406838.1); c.1124A>C, p.His375Pro (NM_181798.2); short protein forms H322P, H412P, H502P, H375P, H470P.
Identifiers: ClinVar variation 2814079 (VCV002814079.3), dbSNP rs1849968625, ClinGen allele CA379479829.